The following is an entry in ClinVar:

ClinVar aggregate classification (germline): Uncertain significance (1 of 4 stars; one submission).

Submission:

GeneDx
Classification: Uncertain significance. Last evaluated: 2017-07-28. Review status: criteria provided, single submitter. Criteria: GeneDx Variant Classification (06012015). Collection method: clinical testing. Allele origin: germline. Affected: yes.
Comment: The S419F variant in the TBL1XR1 gene has not been reported previously as a pathogenic variant, nor as a benign variant, to our knowledge. This variant is not observed in large population cohorts (Lek et al., 2016; 1000 Genomes Consortium et al., 2015; Exome Variant Server). The S419F variant is a non-conservative amino acid substitution, which is likely to impact secondary protein structure as these residues differ in polarity, charge, size and/or other properties. In addition, this substitution occurs at a position that is conserved across species, and in silico analysis predicts this variant is probably damaging to the protein structure/function. We interpret S419F as a variant of uncertain significance.

NM_024665.7(TBL1XR1):c.1256C>T (p.Ser419Phe)

Gene: TBL1XR1 (TBL1X/Y related 1; minus strand). Cytogenetic location: 3q26.32.
Variant type: single nucleotide variant.
Coding change: c.1256C>T on transcript NM_024665.7 (MANE Select); coding-DNA position 1256, C replaced by T.
Protein change: p.Ser419Phe; replaces serine 419 with phenylalanine.
Molecular consequence: missense variant.
Genome position (GRCh38, 1-based): chr3:177,033,131, G>A on the plus strand (C>T on the coding strand, the complement: TBL1XR1 is on the minus strand). VCF-style: chr3-177033131-G-A. GRCh37 (hg19) VCF-style: chr3-176750919-G-A.
Other names: c.1256C>T, p.Ser419Phe (NM_001321193.3, NM_001321194.3, NM_001374327.1 and 2 more transcripts); c.995C>T, p.Ser332Phe (NM_001321195.3, NM_001374330.1); short protein forms S419F, S332F.
Identifiers: ClinVar variation 450828 (VCV000450828.2), dbSNP rs1553808356, ClinGen allele CA355554540.